The following is an entry in ClinVar:

NM_001853.4(COL9A3):c.230G>A (p.Gly77Glu)

Gene: COL9A3 (collagen type IX alpha 3 chain; plus strand). Cytogenetic location: 20q13.33.
Variant type: single nucleotide variant.
Coding change: c.230G>A on transcript NM_001853.4 (MANE Select); coding-DNA position 230, G replaced by A.
Protein change: p.Gly77Glu; replaces glycine 77 with glutamic acid.
Molecular consequence: missense variant.
Genome position (GRCh38, 1-based): chr20:62,819,268, G>A. VCF-style: chr20-62819268-G-A. GRCh37 (hg19) VCF-style: chr20-61450620-G-A.
Other names: c.230G>A, p.Gly77Glu (LRG_1253t1); short protein forms G77E.
Identifiers: ClinVar variation 1482330 (VCV001482330.11), dbSNP rs532209302, ClinGen allele CA9949073.

ClinVar aggregate classification (germline): Uncertain significance. Review status: criteria provided, multiple submitters, no conflicts (2 of 4 stars). 4 submissions from 4 submitters: Uncertain significance (4). Last evaluated 2025-12-02.

Conditions:
Inborn genetic diseases. Identifiers: MedGen C0950123, MeSH D030342.

Allele frequency attached by ClinVar (database versions not stated): gnomAD 0.00001 and 0.00003; gnomAD exomes 0.00001 and 0.00005; TOPMed 0.00002; ExAC 0.00005; 1000 Genomes Project 0.00040; 1000 Genomes Project 30x 0.00047.
gnomAD v4.1: 19 of 1,612,210 alleles (0.0012%); highest among the groups gnomAD compares: East Asian, 0.04%; no homozygotes.

Submissions (4):

Labcorp Genetics (formerly Invitae), Labcorp
Classification: Uncertain significance. Last evaluated: 2025-12-02. Review status: criteria provided, single submitter. Criteria: Invitae Variant Classification Sherloc (09022015). Collection method: clinical testing. Allele origin: germline.
Comment: This sequence change replaces glycine, which is neutral and non-polar, with glutamic acid, which is acidic and polar, at codon 77 of the COL9A3 protein (p.Gly77Glu). This variant is present in population databases (rs532209302, gnomAD 0.08%). This variant has not been reported in the literature in individuals affected with COL9A3-related conditions. ClinVar contains an entry for this variant (Variation ID: 1482330). Invitae Evidence Modeling of protein sequence and biophysical properties (such as structural, functional, and spatial information, amino acid conservation, physicochemical variation, residue mobility, and thermodynamic stability) indicates that this missense variant is expected to disrupt COL9A3 protein function with a positive predictive value of 95%. In summary, the available evidence is currently insufficient to determine the role of this variant in disease. Therefore, it has been classified as a Variant of Uncertain Significance.

Ambry Genetics
Classification: Uncertain significance for Inborn genetic diseases. Last evaluated: 2023-10-13. Review status: criteria provided, single submitter. Criteria: Ambry Variant Classification Scheme 2023. Collection method: clinical testing. Allele origin: germline.

GeneDx
Classification: Uncertain significance. Last evaluated: 2023-07-11. Review status: criteria provided, single submitter. Criteria: GeneDx Variant Classification Process June 2021. Collection method: clinical testing. Allele origin: germline. Affected: yes.
Comment: Has not been previously published as pathogenic or benign to our knowledge; In silico analysis supports that this missense variant has a deleterious effect on protein structure/function

Blueprint Genetics
Classification: Uncertain significance. Last evaluated: 2023-02-03. Review status: criteria provided, single submitter. Criteria: ACMG Guidelines, 2015. Collection method: clinical testing. Allele origin: germline.